The following is an entry in ClinVar:

NM_003906.5(MCM3AP):c.3034G>A (p.Gly1012Arg)

Gene: MCM3AP (minichromosome maintenance complex component 3 associated protein; minus strand). Cytogenetic location: 21q22.3.
Variant type: single nucleotide variant.
Coding change: c.3034G>A on transcript NM_003906.5 (MANE Select); coding-DNA position 3034, G replaced by A.
Protein change: p.Gly1012Arg; replaces glycine 1012 with arginine.
Molecular consequence: missense variant.
Genome position (GRCh38, 1-based): chr21:46,265,521, C>T on the plus strand (G>A on the coding strand, the complement: MCM3AP is on the minus strand). VCF-style: chr21-46265521-C-T. GRCh37 (hg19) VCF-style: chr21-47685435-C-T.
Other names: short protein forms G1012R.
Identifiers: ClinVar variation 1514748 (VCV001514748.5), dbSNP rs530344921, ClinGen allele CA10076639.
Genomic context (GRCh38, chr21:46,265,521, plus strand): 5'-ACTGTGGGAGACTGGACAGGGGTGCATCCGGCTCTACACCACACTCCTCTCCTCTCCCTC[C>T]GCCTGGAAGGAAACATACAGGACAAAACATAGCTGCAGACACAGGGTGCCTGGCACCACG-3'
Protein context (NP_003897.2, residues 1002-1022): TQRPGSDTVG[Gly1012Arg]GRGEECGVEP

ClinVar aggregate classification (germline): Uncertain significance (1 of 4 stars; one submission).

Allele frequency attached by ClinVar (database versions not stated): gnomAD 0.00003 and 0.00009; TOPMed 0.00003; gnomAD exomes 0.00010 and 0.00018; ExAC 0.00025; 1000 Genomes Project 0.00080; 1000 Genomes Project 30x 0.00094.

Submission:

Labcorp Genetics (formerly Invitae), Labcorp
Classification: Uncertain significance. Last evaluated: 2022-11-01. Review status: criteria provided, single submitter. Criteria: Invitae Variant Classification Sherloc (09022015). Collection method: clinical testing. Allele origin: germline.
Comment: This sequence change replaces glycine, which is neutral and non-polar, with arginine, which is basic and polar, at codon 1012 of the MCM3AP protein (p.Gly1012Arg). This variant is present in population databases (rs530344921, gnomAD 0.1%). This variant has not been reported in the literature in individuals affected with MCM3AP-related conditions. ClinVar contains an entry for this variant (Variation ID: 1514748). Algorithms developed to predict the effect of missense changes on protein structure and function (SIFT, PolyPhen-2, Align-GVGD) all suggest that this variant is likely to be tolerated. Algorithms developed to predict the effect of sequence changes on RNA splicing suggest that this variant may create or strengthen a splice site. In summary, the available evidence is currently insufficient to determine the role of this variant in disease. Therefore, it has been classified as a Variant of Uncertain Significance.